The following is an entry in ClinVar:

ClinVar aggregate classification (germline): Likely benign (1 of 4 stars; one submission).

Allele frequency attached by ClinVar (database versions not stated): TOPMed 0.00003; gnomAD 0.00004; gnomAD exomes 0.00014; 1000 Genomes Project 0.00020; ExAC 0.00029; 1000 Genomes Project 30x 0.00031.
gnomAD v4.1: 213 of 1,613,448 alleles (0.013%); highest among the groups gnomAD compares: South Asian, 0.13%; 1 homozygote.

Submission:

CeGaT Center for Human Genetics Tuebingen
Classification: Likely benign. Last evaluated: 2023-04-01. Review status: criteria provided, single submitter. Criteria: CeGaT Center For Human Genetics Tuebingen Variant Classification Criteria Version 2. Collection method: clinical testing. Allele origin: germline. Affected: yes. Observed: 1 variant allele.
Comment: AHNAK2: BP4, BP7

NM_138420.4(AHNAK2):c.14091G>A (p.Ser4697=)

Gene: AHNAK2 (AHNAK nucleoprotein 2; minus strand). Cytogenetic location: 14q32.33.
Variant type: single nucleotide variant.
Coding change: c.14091G>A on transcript NM_138420.4 (MANE Select); coding-DNA position 14091, G replaced by A.
Protein change: p.Ser4697=; no amino-acid change (serine 4697 retained).
Molecular consequence: synonymous variant.
Genome position (GRCh38, 1-based): chr14:104,941,360, C>T on the plus strand (G>A on the coding strand, the complement: AHNAK2 is on the minus strand). VCF-style: chr14-104941360-C-T. GRCh37 (hg19) VCF-style: chr14-105407697-C-T.
Other names: c.13791G>A, p.Ser4597= (NM_001350929.2).
Identifiers: ClinVar variation 2644637 (VCV002644637.24), dbSNP rs537351717, ClinGen allele CA7377709.
Genomic context (GRCh38, chr14:104,941,360, plus strand): 5'-AGGAGTTTTGGTAGAAGAAAATGAAACTTTGGGCACTTTAAAATGCAGTTTCTTAAACTT[C>T]GAATCCATTCCAACTTCTCCAACAGCAAGCCCCAAGTTACCATCGCGAGATGGATCATGA-3'
Protein context (NP_612429.2, residues 4687-4707): GLAVGEVGMD[Ser4697=]KFKKLHFKVP